The following is an entry in ClinVar:

NM_001354604.2(MITF):c.529G>A (p.Ala177Thr)

Gene: MITF (melanocyte inducing transcription factor; plus strand). Cytogenetic location: 3p13.
Variant type: single nucleotide variant.
Coding change: c.529G>A on transcript NM_001354604.2 (MANE Select); coding-DNA position 529, G replaced by A.
Protein change: p.Ala177Thr; replaces alanine 177 with threonine.
Molecular consequence: missense variant. On other transcripts: intron variant (1).
Genome position (GRCh38, 1-based): chr3:69,937,996, G>A. VCF-style: chr3-69937996-G-A. GRCh37 (hg19) VCF-style: chr3-69987147-G-A.
Other names: c.208G>A, p.Ala70Thr (NM_000248.4, NM_001184968.2, NM_198158.3); c.373G>A, p.Ala125Thr (NM_001184967.2, NM_001354608.2); c.526G>A, p.Ala176Thr (NM_001354605.2, NM_001354606.2, NM_006722.3); c.478G>A, p.Ala160Thr (NM_001354607.2); c.529G>A, p.Ala177Thr (NM_198159.3); c.481G>A, p.Ala161Thr (NM_198177.3); c.93+115G>A (NM_198178.3); short protein forms A125T, A160T, A161T, A176T, A177T, A70T.
Identifiers: ClinVar variation 1197710 (VCV001197710.12), dbSNP rs760770591, ClinGen allele CA2490372.

ClinVar aggregate classification (germline): Uncertain significance. Review status: criteria provided, multiple submitters, no conflicts (2 of 4 stars). 4 submissions from 4 submitters: Uncertain significance (4). Last evaluated 2026-01-27.

Conditions:
Tietz syndrome (TADS). Also called: HYPOPIGMENTATION/DEAFNESS OF TIETZ; ALBINISM-DEAFNESS OF TIETZ; TIETZ ALBINISM-DEAFNESS SYNDROME. Identifiers: Orphanet 42665, MedGen C0391816, MONDO:0007077, OMIM 103500.
Waardenburg syndrome type 2A (WS2A). Also called: WAARDENBURG SYNDROME WITHOUT DYSTOPIA CANTHORUM. Identifiers: Orphanet 3440, MedGen C1860339, MONDO:0008671, OMIM 193510.
Melanoma, cutaneous malignant, susceptibility to, 8. Also called: Cutaneous malignant melanoma 8; MELANOMA AND RENAL CELL CARCINOMA, SUSCEPTIBILITY TO. Identifiers: Orphanet 293822, MedGen C3152204, MONDO:0013759, OMIM 614456.
Hereditary cancer-predisposing syndrome. Also called: Neoplastic Syndromes, Hereditary; Hereditary neoplastic syndrome; Hereditary Cancer Syndrome; Tumor predisposition. Identifiers: Orphanet 140162, MedGen C0027672, MeSH D009386, MONDO:0015356.

Allele frequency attached by ClinVar (database versions not stated): gnomAD 0.00001; gnomAD exomes 0.00001; TOPMed 0.00001; ExAC 0.00002.

Submissions (4):

GeneDx
Classification: Uncertain significance. Last evaluated: 2026-01-27. Review status: criteria provided, single submitter. Criteria: GeneDx Variant Classification Process June 2021. Collection method: clinical testing. Allele origin: germline. Affected: yes.
Comment: In silico analysis supports that this missense variant has a deleterious effect on protein structure/function; Has not been previously published as pathogenic or benign to our knowledge

Labcorp Genetics (formerly Invitae), Labcorp
Classification: Uncertain significance for Melanoma, cutaneous malignant, susceptibility to, 8; Waardenburg syndrome type 2A; Tietz syndrome. Last evaluated: 2025-10-27. Review status: criteria provided, single submitter. Criteria: Invitae Variant Classification Sherloc (09022015). Collection method: clinical testing. Allele origin: germline.
Comment: This sequence change replaces alanine, which is neutral and non-polar, with threonine, which is neutral and polar, at codon 70 of the MITF protein (p.Ala70Thr). This variant is present in population databases (rs760770591, gnomAD 0.004%). This variant has not been reported in the literature in individuals affected with MITF-related conditions. ClinVar contains an entry for this variant (Variation ID: 1197710). Invitae Evidence Modeling of protein sequence and biophysical properties (such as structural, functional, and spatial information, amino acid conservation, physicochemical variation, residue mobility, and thermodynamic stability) indicates that this missense variant is not expected to disrupt MITF protein function with a negative predictive value of 80%. In summary, the available evidence is currently insufficient to determine the role of this variant in disease. Therefore, it has been classified as a Variant of Uncertain Significance.

Ambry Genetics
Classification: Uncertain significance for Hereditary cancer-predisposing syndrome. Last evaluated: 2024-11-23. Review status: criteria provided, single submitter. Criteria: Ambry Variant Classification Scheme 2023. Collection method: clinical testing. Allele origin: germline.
Comment: The p.A70T variant (also known as c.208G>A), located in coding exon 2 of the MITF gene, results from a G to A substitution at nucleotide position 208. The alanine at codon 70 is replaced by threonine, an amino acid with similar properties. This amino acid position is conserved. In addition, this alteration is predicted to be tolerated by in silico analysis. Based on the available evidence, the clinical significance of this variant remains unclear.

ARUP Laboratories, Molecular Genetics and Genomics, ARUP Laboratories
Classification: Uncertain significance. Last evaluated: 2024-04-13. Review status: criteria provided, single submitter. Criteria: ARUP Molecular Germline Variant Investigation Process 2024. Collection method: clinical testing. Allele origin: germline.
Comment: The MITF c.208G>A; p.Ala70Thr variant (rs760770591), to our knowledge, is not reported in the medical literature but is reported in ClinVar (Variation ID: 1197710). This variant is only observed on two alleles in the Genome Aggregation Database (v2.1.1), indicating it is not a common polymorphism. Computational analyses are uncertain whether this variant is neutral or deleterious (REVEL: 0.226). Due to limited information, the clinical significance of this variant is uncertain at this time.